The following is an entry in ClinVar:

ClinVar aggregate classification (germline): Likely benign. Review status: criteria provided, multiple submitters, no conflicts (2 of 4 stars). 3 submissions from 3 submitters: Likely benign (3). Last evaluated 2025-10-27.

Allele frequency attached by ClinVar (database versions not stated): gnomAD exomes 0.00009 and 0.00014; ExAC 0.00012; TOPMed 0.00015; gnomAD 0.00018 and 0.00020; ESP Exome Variant Server 0.00023.
gnomAD v4.1: 233 of 1,613,892 alleles (0.014%); highest among the groups gnomAD compares: Non-Finnish European, 0.017%; no homozygotes.

Submissions (3):

Labcorp Genetics (formerly Invitae), Labcorp
Classification: Likely benign. Last evaluated: 2025-10-27. Review status: criteria provided, single submitter. Criteria: Invitae Variant Classification Sherloc (09022015). Collection method: clinical testing. Allele origin: germline.

Blueprint Genetics
Classification: Likely benign. Last evaluated: 2024-06-26. Review status: criteria provided, single submitter. Criteria: ACMG Guidelines, 2015. Collection method: clinical testing. Allele origin: germline.

CeGaT Center for Human Genetics Tuebingen
Classification: Likely benign. Last evaluated: 2024-05-01. Review status: criteria provided, single submitter. Criteria: CeGaT Center For Human Genetics Tuebingen Variant Classification Criteria Version 2. Collection method: clinical testing. Allele origin: germline. Affected: yes. Observed: 2 variant alleles.
Comment: HSPG2: BP4, BP7

NM_005529.7(HSPG2):c.2919C>T (p.Pro973=)

Gene: HSPG2 (heparan sulfate proteoglycan 2; minus strand). Cytogenetic location: 1p36.12.
Variant type: single nucleotide variant.
Coding change: c.2919C>T on transcript NM_005529.7 (MANE Select); coding-DNA position 2919, C replaced by T.
Protein change: p.Pro973=; no amino-acid change (proline 973 retained).
Molecular consequence: synonymous variant.
Genome position (GRCh38, 1-based): chr1:21,876,313, G>A on the plus strand (C>T on the coding strand, the complement: HSPG2 is on the minus strand). VCF-style: chr1-21876313-G-A. GRCh37 (hg19) VCF-style: chr1-22202806-G-A.
Other names: c.2922C>T, p.Pro974= (NM_001291860.2).
Identifiers: ClinVar variation 1585210 (VCV001585210.33), dbSNP rs150055353, ClinGen allele CA672810.